The following is an entry in ClinVar:

NM_007262.5(PARK7):c.292C>T (p.Arg98Trp)

Gene: PARK7 (Parkinsonism associated deglycase; plus strand). Cytogenetic location: 1p36.23.
Variant type: single nucleotide variant.
Coding change: c.292C>T on transcript NM_007262.5 (MANE Select); coding-DNA position 292, C replaced by T.
Protein change: p.Arg98Trp; replaces arginine 98 with tryptophan.
Molecular consequence: missense variant.
Genome position (GRCh38, 1-based): chr1:7,970,933, C>T. VCF-style: chr1-7970933-C-T. GRCh37 (hg19) VCF-style: chr1-8030993-C-T.
Other names: c.292C>T, p.Arg98Trp (NM_001123377.2); short protein forms R98W.
Identifiers: ClinVar variation 3704717 (VCV003704717.2).

ClinVar aggregate classification (germline): Uncertain significance (1 of 4 stars; one submission).

Conditions:
Autosomal recessive early-onset Parkinson disease 7. Identifiers: Orphanet 2828, MedGen C1853445, MONDO:0011658, OMIM 606324.

gnomAD v4.1: 15 of 1,614,132 alleles (0.00093%); highest among the groups gnomAD compares: East Asian, 0.0067%; no homozygotes.

Submission:

Labcorp Genetics (formerly Invitae), Labcorp
Classification: Uncertain significance for Autosomal recessive early-onset Parkinson disease 7. Last evaluated: 2024-07-24. Review status: criteria provided, single submitter. Criteria: Invitae Variant Classification Sherloc (09022015). Collection method: clinical testing. Allele origin: germline.
Comment: This sequence change replaces arginine, which is basic and polar, with tryptophan, which is neutral and slightly polar, at codon 98 of the PARK7 protein (p.Arg98Trp). This variant is present in population databases (rs182164240, gnomAD 0.007%). This missense change has been observed in individual(s) with Parkinson disease (PMID: 32613234). An algorithm developed to predict the effect of missense changes on protein structure and function (PolyPhen-2) suggests that this variant is likely to be tolerated. In summary, the available evidence is currently insufficient to determine the role of this variant in disease. Therefore, it has been classified as a Variant of Uncertain Significance.

Literature cited by the submitters: PubMed 32613234.